The following is an entry in ClinVar:

ClinVar aggregate classification (germline): Uncertain significance. Review status: criteria provided, multiple submitters, no conflicts (2 of 4 stars). 4 submissions from 4 submitters: Uncertain significance (4). Last evaluated 2025-04-07.

Conditions:
DNAH1-related disorder. Also called: DNAH1-related condition.
Spermatogenic failure 18. Identifiers: MedGen C4539783, MONDO:0054615, OMIM 617576.
Ciliary dyskinesia, primary, 37 (CILD37). Also called: CILIARY DYSKINESIA, PRIMARY, 37, WITH OR WITHOUT SITUS INVERSUS. Identifiers: MedGen C4539798, MONDO:0033204, OMIM 617577.

Allele frequency attached by ClinVar (database versions not stated): TOPMed 0.00003.
gnomAD v4.1: 13 of 1,613,624 alleles (0.00081%); highest among the groups gnomAD compares: Admixed American, 0.013%; no homozygotes.

Submissions (4):

Labcorp Genetics (formerly Invitae), Labcorp
Classification: Uncertain significance for Ciliary dyskinesia, primary, 37; Spermatogenic failure 18. Last evaluated: 2025-04-07. Review status: criteria provided, single submitter. Criteria: Invitae Variant Classification Sherloc (09022015). Collection method: clinical testing. Allele origin: germline.
Comment: This sequence change replaces arginine, which is basic and polar, with leucine, which is neutral and non-polar, at codon 1783 of the DNAH1 protein (p.Arg1783Leu). This variant is present in population databases (rs371787188, gnomAD 0.009%). This variant has not been reported in the literature in individuals affected with DNAH1-related conditions. ClinVar contains an entry for this variant (Variation ID: 544634). Invitae Evidence Modeling of protein sequence and biophysical properties (such as structural, functional, and spatial information, amino acid conservation, physicochemical variation, residue mobility, and thermodynamic stability) indicates that this missense variant is expected to disrupt DNAH1 protein function with a positive predictive value of 80%. In summary, the available evidence is currently insufficient to determine the role of this variant in disease. Therefore, it has been classified as a Variant of Uncertain Significance.

Blueprint Genetics
Classification: Uncertain significance. Last evaluated: 2024-11-14. Review status: criteria provided, single submitter. Criteria: ACMG Guidelines, 2015. Collection method: clinical testing. Allele origin: germline.

Ambry Genetics
Classification: Uncertain significance. Last evaluated: 2023-06-16. Review status: criteria provided, single submitter. Criteria: Ambry Variant Classification Scheme 2023. Collection method: clinical testing. Allele origin: germline.

PreventionGenetics, part of Exact Sciences
Classification: Uncertain significance for DNAH1-related condition. Last evaluated: 2023-03-31. Review status: criteria provided, single submitter. Criteria: ACMG Guidelines, 2015. Collection method: clinical testing. Allele origin: germline.
Comment: The DNAH1 c.5348G>T variant is predicted to result in the amino acid substitution p.Arg1783Leu. To our knowledge, this variant has not been reported in the literature. This variant is reported in 0.012% of alleles in individuals of Latino descent in gnomAD. Although we suspect that this variant may be benign, at this time, the clinical significance of this variant is uncertain due to the absence of conclusive functional and genetic evidence.

NM_015512.5(DNAH1):c.5348G>T (p.Arg1783Leu)

Gene: DNAH1 (dynein axonemal heavy chain 1; plus strand). Cytogenetic location: 3p21.1.
Variant type: single nucleotide variant.
Coding change: c.5348G>T on transcript NM_015512.5 (MANE Select); coding-DNA position 5348, G replaced by T.
Protein change: p.Arg1783Leu; replaces arginine 1783 with leucine.
Molecular consequence: missense variant.
Genome position (GRCh38, 1-based): chr3:52,364,849, G>T. VCF-style: chr3-52364849-G-T. GRCh37 (hg19) VCF-style: chr3-52398865-G-T.
Other names: short protein forms R1783L.
Identifiers: ClinVar variation 544634 (VCV000544634.12), dbSNP rs371787188, ClinGen allele CA2434193.
Genomic context (GRCh38, chr3:52,364,849, plus strand): 5'-CAGCTGGCCCACTGCCCTGAAGGCTCAGCCGGCACCTGCTGCAGGAGCTGATCTGCCTCC[G>T]GGCCATCCGTGATGTGAACGTGCCCAAGTTCCTGCAGGAGGACCTCAAGCTCTTCTCTGG-3'
Protein context (NP_056327.4, residues 1773-1793): PSMNEELICL[Arg1783Leu]AIRDVNVPKF